The following is an entry in ClinVar:

ClinVar aggregate classification (germline): Uncertain significance (1 of 4 stars; one submission).

Conditions:
Inborn genetic diseases. Identifiers: MedGen C0950123, MeSH D030342.

Submission:

Ambry Genetics
Classification: Uncertain significance for Inborn genetic diseases. Last evaluated: 2020-12-11. Review status: criteria provided, single submitter. Criteria: Ambry Variant Classification Scheme 2023. Collection method: clinical testing. Allele origin: germline.
Comment: The c.1645G>A (p.V549M) alteration is located in exon 15 (coding exon 14) of the PRODH gene. This alteration results from a G to A substitution at nucleotide position 1645, causing the valine (V) at amino acid position 549 to be replaced by a methionine (M). The p.V549M alteration is predicted to be tolerated by in silico analysis. Based on insufficient or conflicting evidence, the clinical significance of this alteration remains unclear.

NM_016335.6(PRODH):c.1645G>A (p.Val549Met)

Gene: PRODH (proline dehydrogenase 1; minus strand). Cytogenetic location: 22q11.21.
Variant type: single nucleotide variant.
Coding change: c.1645G>A on transcript NM_016335.6 (MANE Select); coding-DNA position 1645, G replaced by A.
Protein change: p.Val549Met; replaces valine 549 with methionine.
Molecular consequence: missense variant.
Genome position (GRCh38, 1-based): chr22:18,913,333, C>T on the plus strand (G>A on the coding strand, the complement: PRODH is on the minus strand). VCF-style: chr22-18913333-C-T. GRCh37 (hg19) VCF-style: chr22-18900846-C-T.
Other names: c.1321G>A, p.Val441Met (NM_001195226.2, NM_001368250.2); short protein forms V549M, V441M.
Identifiers: ClinVar variation 2228196 (VCV002228196.2), dbSNP rs1321845990, ClinGen allele CA410638255.
Genomic context (GRCh38, chr22:18,913,333, plus strand): 5'-TGTTCTCCAGGGCACGGCGGGACAAGTAGGGCAGCACCTCCATCACGGGGCCATAGGGCA[C>T]GTACTTGTACACGGGGTAGCCGGCCTGGCCTGCATGGGGGCAGATACACCATGAGGCCCA-3'
Protein context (NP_057419.5, residues 539-559): GQAGYPVYKY[Val549Met]PYGPVMEVLP